The following is an entry in ClinVar:

ClinVar aggregate classification (germline): Uncertain significance. Review status: criteria provided, multiple submitters, no conflicts (2 of 4 stars). 3 submissions from 3 submitters: Uncertain significance (3). Last evaluated 2023-07-31.

Conditions:
Inborn genetic diseases. Identifiers: MedGen C0950123, MeSH D030342.
Xeroderma pigmentosum, group C (XPC). Also called: XPC-Related Xeroderma Pigmentosum; Xeroderma pigmentosum, complementation group C; XERODERMA PIGMENTOSUM III; XP, GROUP C. Identifiers: Orphanet 910, MedGen C2752147, MONDO:0010211, OMIM 278720.

Allele frequency attached by ClinVar (database versions not stated): ExAC 0.00001; gnomAD exomes 0.00001 and 0.00002; TOPMed 0.00003; gnomAD 0.00005.
gnomAD v4.1: 16 of 1,612,938 alleles (0.00099%); highest among the groups gnomAD compares: African/African-American, 0.008%; no homozygotes.

Submissions (3):

Ambry Genetics
Classification: Uncertain significance for Inborn genetic diseases. Last evaluated: 2023-07-31. Review status: criteria provided, single submitter. Criteria: Ambry Variant Classification Scheme 2023. Collection method: clinical testing. Allele origin: germline.

Baylor Genetics
Classification: Uncertain significance for Xeroderma pigmentosum, group C. Last evaluated: 2019-10-09. Review status: criteria provided, single submitter. Criteria: ACMG Guidelines, 2015. Collection method: clinical testing. Allele origin: unknown. Affected: yes. Study: CSER-TexasKidsCanSeq.
Comment: This variant was determined to be of uncertain significance according to ACMG Guidelines, 2015 [PMID:25741868].

Illumina Laboratory Services, Illumina
Classification: Uncertain significance for Xeroderma pigmentosum, group C. Last evaluated: 2018-01-13. Review status: criteria provided, single submitter. Criteria: ICSL Variant Classification Criteria 13 December 2019. Collection method: clinical testing. Allele origin: germline.

NM_004628.5(XPC):c.17C>G (p.Ala6Gly)

Genes: XPC (XPC complex subunit, DNA damage recognition and repair factor; minus strand), LOC129936244 (ATAC-STARR-seq lymphoblastoid active region 19500; plus strand). Cytogenetic location: 3p25.1.
Variant type: single nucleotide variant.
Coding change: c.17C>G on transcript NM_004628.5 (MANE Select); coding-DNA position 17, C replaced by G.
Protein change: p.Ala6Gly; replaces alanine 6 with glycine.
Molecular consequence: missense variant. On other transcripts: 5 prime UTR variant (1), non-coding transcript variant (2).
Genome position (GRCh38, 1-based): chr3:14,178,552, G>C on the plus strand (C>G on the coding strand, the complement: XPC is on the minus strand). VCF-style: chr3-14178552-G-C. GRCh37 (hg19) VCF-style: chr3-14220052-G-C.
Other names: c.-439C>G (NM_001354726.2); c.17C>G, p.Ala6Gly (NM_001354727.2, NM_001354729.2, NM_001354730.2); short protein forms A6G.
Identifiers: ClinVar variation 903488 (VCV000903488.7), dbSNP rs770358796, ClinGen allele CA2267841.